The following is an entry in ClinVar:

ClinVar aggregate classification (germline): Uncertain significance (1 of 4 stars; one submission).

Conditions:
Developmental and epileptic encephalopathy, 69. Also called: EPILEPTIC ENCEPHALOPATHY, EARLY INFANTILE, 69. Identifiers: MedGen C4748988, MONDO:0032657, OMIM 618285.

Submission:

Victorian Clinical Genetics Services, Murdoch Childrens Research Institute
Classification: Uncertain significance for Developmental and epileptic encephalopathy, 69. Last evaluated: 2020-10-19. Review status: criteria provided, single submitter. Criteria: ACMG Guidelines, 2015. Collection method: clinical testing. Allele origin: germline. Inheritance: Autosomal dominant inheritance.
Comment: Based on the classification scheme VCGS_Germline_v1.3.3, this variant is classified as VUS-3B. Following criteria are met: 0101 - Gain of function is a known mechanism of disease in this gene and is associated with epileptic encephalopathy, early infantile, 69 (MIM#618285). (I) 0107 - This gene is associated with autosomal dominant disease. (I) 0200 - Variant is predicted to result in a missense amino acid change from proline to arginine. (I) 0251 - This variant is heterozygous. (I) 0301 - Variant is absent from gnomAD (both v2 and v3). (SP) 0309 - An alternative amino acid change at the same position has been observed in gnomAD (v2) (2 heterozygotes, 0 homozygotes). (I) 0502 - Missense variant with conflicting in silico predictions and uninformative conservation. (I) 0604 - Variant is not located in an established domain, motif, hotspot or informative constraint region. (I) 0705 - No comparable missense variants have previous evidence for pathogenicity. (I) 0807 - This variant has no previous evidence of pathogenicity. (I) 0905 - No published segregation evidence has been identified for this variant. (I) 1007 - No published functional evidence has been identified for this variant. (I) 1208 - Inheritance information for this variant is not currently available in this individual. (I) Legend: (SP) - Supporting pathogenic, (I) - Information, (SB) - Supporting benign

NM_001205293.3(CACNA1E):c.6581C>G (p.Pro2194Arg)

Gene: CACNA1E (calcium voltage-gated channel subunit alpha1 E; plus strand). Cytogenetic location: 1q25.3.
Variant type: single nucleotide variant.
Coding change: c.6581C>G on transcript NM_001205293.3 (MANE Select); coding-DNA position 6581, C replaced by G.
Protein change: p.Pro2194Arg; replaces proline 2194 with arginine.
Molecular consequence: missense variant.
Genome position (GRCh38, 1-based): chr1:181,798,473, C>G. VCF-style: chr1-181798473-C-G. GRCh37 (hg19) VCF-style: chr1-181767609-C-G.
Other names: c.6452C>G, p.Pro2151Arg (NM_000721.4); c.6395C>G, p.Pro2132Arg (NM_001205294.2); short protein forms P2132R, P2151R, P2194R.
Identifiers: ClinVar variation 1806369 (VCV001806369.2), dbSNP rs777710243, ClinGen allele CA34197638.
Genomic context (GRCh38, chr1:181,798,473, plus strand): 5'-CCCTGATTCGACACGCGGGCAGCATCTCTCCACCTGCTGATGGAAGCGAGGAGGGCTCCC[C>G]GCTGACCTCCCAAGCTCTGGAGAGCAACAATGCTTGCCTGACCGAGTCTTCCAACTCTCC-3'
Protein context (NP_001192222.1, residues 2184-2204): PPADGSEEGS[Pro2194Arg]LTSQALESNN